The following is an entry in ClinVar:

ClinVar aggregate classification (germline): Uncertain significance. Review status: criteria provided, multiple submitters, no conflicts (2 of 4 stars). 2 submissions from 2 submitters: Uncertain significance (2). Last evaluated 2020-02-22.

Conditions:
Familial thoracic aortic aneurysm and aortic dissection (TAAD). Also called: Thoracic aortic aneurysms and dissections. Identifiers: Orphanet 91387, MedGen C4707243, MONDO:0019625.

Allele frequency attached by ClinVar (database versions not stated): gnomAD exomes below 0.00001.

Submissions (2):

Blueprint Genetics
Classification: Uncertain significance. Last evaluated: 2020-02-22. Review status: criteria provided, single submitter. Criteria: ACMG Guidelines, 2015. Collection method: clinical testing. Allele origin: germline.

CHEO Genetics Diagnostic Laboratory, Children's Hospital of Eastern Ontario
Classification: Uncertain significance for Familial thoracic aortic aneurysm and aortic dissection. Last evaluated: 2019-07-17. Review status: criteria provided, single submitter. Criteria: ACMG Guidelines, 2015. Collection method: clinical testing. Allele origin: germline.

NM_000138.5(FBN1):c.374A>G (p.Asn125Ser)

Gene: FBN1 (fibrillin 1; minus strand). Cytogenetic location: 15q21.1.
Variant type: single nucleotide variant.
Coding change: c.374A>G on transcript NM_000138.5 (MANE Select); coding-DNA position 374, A replaced by G.
Protein change: p.Asn125Ser; replaces asparagine 125 with serine.
Molecular consequence: missense variant.
Genome position (GRCh38, 1-based): chr15:48,600,207, T>C on the plus strand (A>G on the coding strand, the complement: FBN1 is on the minus strand). VCF-style: chr15-48600207-T-C. GRCh37 (hg19) VCF-style: chr15-48892404-T-C.
Other names: short protein forms N125S.
Identifiers: ClinVar variation 918026 (VCV000918026.5), dbSNP rs2044551186, ClinGen allele CA392446582.